The following is an entry in ClinVar:

ClinVar aggregate classification (germline): Uncertain significance (1 of 4 stars; one submission).

Submission:

Labcorp Genetics (formerly Invitae), Labcorp
Classification: Uncertain significance. Last evaluated: 2025-04-14. Review status: criteria provided, single submitter. Criteria: Invitae Variant Classification Sherloc (09022015). Collection method: clinical testing. Allele origin: germline.
Comment: This sequence change replaces arginine, which is basic and polar, with cysteine, which is neutral and slightly polar, at codon 39 of the STAG1 protein (p.Arg39Cys). This variant is present in population databases (rs747804278, gnomAD 0.009%). This variant has not been reported in the literature in individuals affected with STAG1-related conditions. Invitae Evidence Modeling of protein sequence and biophysical properties (such as structural, functional, and spatial information, amino acid conservation, physicochemical variation, residue mobility, and thermodynamic stability) indicates that this missense variant is not expected to disrupt STAG1 protein function with a negative predictive value of 95%. In summary, the available evidence is currently insufficient to determine the role of this variant in disease. Therefore, it has been classified as a Variant of Uncertain Significance.

NM_005862.3(STAG1):c.115C>T (p.Arg39Cys)

Gene: STAG1 (STAG1 cohesin complex component; minus strand). Cytogenetic location: 3q22.3.
Variant type: single nucleotide variant.
Coding change: c.115C>T on transcript NM_005862.3 (MANE Select); coding-DNA position 115, C replaced by T.
Protein change: p.Arg39Cys; replaces arginine 39 with cysteine.
Molecular consequence: missense variant.
Genome position (GRCh38, 1-based): chr3:136,623,163, G>A on the plus strand (C>T on the coding strand, the complement: STAG1 is on the minus strand). VCF-style: chr3-136623163-G-A. GRCh37 (hg19) VCF-style: chr3-136342005-G-A.
Other names: short protein forms R39C.
Identifiers: ClinVar variation 4772845 (VCV004772845.1).